The following is an entry in ClinVar:

NC_000018.10:g.(?_62088736)_(62143366_?)del

Genes: PIGN (phosphatidylinositol glycan anchor biosynthesis class N; minus strand), LOC132090496 (Neanderthal introgressed variant-containing enhancer experimental_48670; plus strand), LOC132090497 (Neanderthal introgressed variant-containing enhancer experimental_48690; plus strand), LOC132090498 (Neanderthal introgressed variant-containing enhancer experimental_48738; plus strand), LOC132090499 (Neanderthal introgressed variant-containing enhancer experimental_48746; plus strand) and 1 more. Cytogenetic location: 18q21.33.
Variant type: Deletion.
Identifiers: ClinVar variation 583957 (VCV000583957.2).

ClinVar aggregate classification (germline): Pathogenic (1 of 4 stars; one submission).

Conditions:
Multiple congenital anomalies-hypotonia-seizures syndrome 1 (MCAHS1). Also called: GLYCOSYLPHOSPHATIDYLINOSITOL BIOSYNTHESIS DEFECT 3; PIGN-CDG; Congenital disorder of glycosylation due to PIGN deficiency. Identifiers: Orphanet 280633, MedGen C3279775, MONDO:0013563, OMIM 614080.

Submission:

Labcorp Genetics (formerly Invitae), Labcorp
Classification: Pathogenic for Multiple congenital anomalies-hypotonia-seizures syndrome 1. Last evaluated: 2019-05-13. Review status: criteria provided, single submitter. Criteria: Invitae Variant Classification Sherloc (09022015). Collection method: clinical testing. Allele origin: germline.
Comment: This variant is an out-of-frame deletion of the genomic region encompassing exons 11-25 of the PIGN gene. This is expected to create a premature translational stop signal and result in an absent or disrupted protein product. Similar deletions have not been reported in the literature in individuals with PIGN-related disease. Loss-of-function variants in PIGN are known to be pathogenic (PMID: 24253414, 27038415). For these reasons, this variant has been classified as Pathogenic.